The following is an entry in ClinVar:

NM_002582.4(PARN):c.921C>T (p.Asp307=)

Gene: PARN (poly(A)-specific ribonuclease; minus strand). Cytogenetic location: 16p13.12.
Variant type: single nucleotide variant.
Coding change: c.921C>T on transcript NM_002582.4 (MANE Select); coding-DNA position 921, C replaced by T.
Protein change: p.Asp307=; no amino-acid change (aspartic acid 307 retained).
Molecular consequence: synonymous variant.
Genome position (GRCh38, 1-based): chr16:14,586,359, G>A on the plus strand (C>T on the coding strand, the complement: PARN is on the minus strand). VCF-style: chr16-14586359-G-A. GRCh37 (hg19) VCF-style: chr16-14680216-G-A.
Other names: c.738C>T, p.Asp246= (NM_001134477.3); c.783C>T, p.Asp261= (NM_001242992.2).
Identifiers: ClinVar variation 4989929 (VCV004989929.1).

ClinVar aggregate classification (germline): Likely benign (1 of 4 stars; one submission).

Conditions:
PARN-related disorder. Also called: PARN-related condition; PARN-related disorders.

gnomAD v4.1: 1 of 1,523,850 alleles (0.000066%); highest among the groups gnomAD compares: Non-Finnish European, 0.000089%; no homozygotes.

Submission:

PreventionGenetics, part of Exact Sciences
Classification: Likely benign for PARN-related condition. Last evaluated: 2026-05-28. Review status: criteria provided, single submitter. Criteria: ACMG Guidelines, 2015. Collection method: clinical testing. Allele origin: germline.
Comment: This variant is classified as likely benign based on ACMG/AMP sequence variant interpretation guidelines (Richards et al. 2015 PMID: 25741868, with internal and published modifications).